The following is an entry in ClinVar:

ClinVar aggregate classification (germline): Uncertain significance (1 of 4 stars; one submission).

Submission:

GeneDx
Classification: Uncertain significance. Last evaluated: 2024-04-23. Review status: criteria provided, single submitter. Criteria: GeneDx Variant Classification Process June 2021. Collection method: clinical testing. Allele origin: germline. Affected: yes.
Comment: Not observed at significant frequency in large population cohorts (gnomAD); In silico analysis supports that this missense variant has a deleterious effect on protein structure/function; Has not been previously published as pathogenic or benign to our knowledge; This substitution is predicted to be within the transmembrane segment S6 of the first homologous domain

NM_001330260.2(SCN8A):c.1169T>C (p.Phe390Ser)

Gene: SCN8A (sodium voltage-gated channel alpha subunit 8; plus strand). Cytogenetic location: 12q13.13.
Variant type: single nucleotide variant.
Coding change: c.1169T>C on transcript NM_001330260.2 (MANE Select); coding-DNA position 1169, T replaced by C.
Protein change: p.Phe390Ser; replaces phenylalanine 390 with serine.
Molecular consequence: missense variant.
Genome position (GRCh38, 1-based): chr12:51,705,451, T>C. VCF-style: chr12-51705451-T-C. GRCh37 (hg19) VCF-style: chr12-52099235-T-C.
Other names: c.1169T>C, p.Phe390Ser (NM_001177984.3, NM_001369788.1, NM_014191.4); short protein forms F390S.
Identifiers: ClinVar variation 3373011 (VCV003373011.1).